The following is an entry in ClinVar:

NM_005045.4(RELN):c.4146-4A>G

Gene: RELN (reelin; minus strand). Cytogenetic location: 7q22.1.
Variant type: single nucleotide variant.
Coding change: c.4146-4A>G on transcript NM_005045.4 (MANE Select); 4 bases into the intron before coding-DNA position 4146, A replaced by G.
Molecular consequence: intron variant.
Genome position (GRCh38, 1-based): chr7:103,575,709, T>C on the plus strand (A>G on the coding strand, the complement: RELN is on the minus strand). VCF-style: chr7-103575709-T-C. GRCh37 (hg19) VCF-style: chr7-103216156-T-C.
Other names: c.4146-4A>G (NM_173054.3).
Identifiers: ClinVar variation 1425045 (VCV001425045.8), dbSNP rs2117208520, ClinGen allele CA2573141389.

ClinVar aggregate classification (germline): Uncertain significance (1 of 4 stars; one submission).

Conditions:
Norman-Roberts syndrome (LIS2). Also called: Lissencephaly 2 (Norman-Roberts type). Identifiers: Orphanet 89844, MedGen C0796089, MONDO:0009760, OMIM 257320.
Familial temporal lobe epilepsy 7. Identifiers: Orphanet 101046, MedGen C4225327, MONDO:0014639, OMIM 616436.

Allele frequency attached by ClinVar (database versions not stated): gnomAD exomes below 0.00001.
gnomAD v4.1: 3 of 1,614,130 alleles (0.00019%); highest among the groups gnomAD compares: South Asian, 0.0011%; no homozygotes.

Submission:

Labcorp Genetics (formerly Invitae), Labcorp
Classification: Uncertain significance for Familial temporal lobe epilepsy 7; Norman-Roberts syndrome. Last evaluated: 2021-04-30. Review status: criteria provided, single submitter. Criteria: Invitae Variant Classification Sherloc (09022015). Collection method: clinical testing. Allele origin: germline.
Comment: This variant has not been reported in the literature in individuals with RELN-related conditions. This sequence change falls in intron 28 of the RELN gene. It does not directly change the encoded amino acid sequence of the RELN protein. This variant is not present in population databases (ExAC no frequency). Algorithms developed to predict the effect of sequence changes on RNA splicing suggest that this variant may disrupt the consensus splice site, but this prediction has not been confirmed by published transcriptional studies. In summary, the available evidence is currently insufficient to determine the role of this variant in disease. Therefore, it has been classified as a Variant of Uncertain Significance.